The following is an entry in ClinVar:

NM_014241.4(HACD1):c.473G>T (p.Ser158Ile)

Gene: HACD1 (3-hydroxyacyl-CoA dehydratase 1; minus strand). Cytogenetic location: 10p12.33.
Variant type: single nucleotide variant.
Coding change: c.473G>T on transcript NM_014241.4 (MANE Select); coding-DNA position 473, G replaced by T.
Protein change: p.Ser158Ile; replaces serine 158 with isoleucine.
Molecular consequence: missense variant.
Genome position (GRCh38, 1-based): chr10:17,603,570, C>A on the plus strand (G>T on the coding strand, the complement: HACD1 is on the minus strand). VCF-style: chr10-17603570-C-A. GRCh37 (hg19) VCF-style: chr10-17645569-C-A.
Other names: c.473G>T (NM_014241.3); short protein forms S158I.
Identifiers: ClinVar variation 1486209 (VCV001486209.4), dbSNP rs781827306, ClinGen allele CA5427302.

ClinVar aggregate classification (germline): Uncertain significance. Review status: criteria provided, multiple submitters, no conflicts (2 of 4 stars). 2 submissions from 2 submitters: Uncertain significance (2). Last evaluated 2024-12-22.

Conditions:
Inborn genetic diseases. Identifiers: MedGen C0950123, MeSH D030342.

Allele frequency attached by ClinVar (database versions not stated): gnomAD 0.00001; gnomAD exomes 0.00001 and 0.00003; ExAC 0.00002.
gnomAD v4.1: 38 of 1,609,398 alleles (0.0024%); highest among the groups gnomAD compares: Non-Finnish European, 0.0031%; no homozygotes.

Submissions (2):

Ambry Genetics
Classification: Uncertain significance for Inborn genetic diseases. Last evaluated: 2024-12-22. Review status: criteria provided, single submitter. Criteria: Ambry Variant Classification Scheme 2023. Collection method: clinical testing. Allele origin: germline.

Labcorp Genetics (formerly Invitae), Labcorp
Classification: Uncertain significance. Last evaluated: 2021-08-05. Review status: criteria provided, single submitter. Criteria: Invitae Variant Classification Sherloc (09022015). Collection method: clinical testing. Allele origin: germline.
Comment: This sequence change replaces serine with isoleucine at codon 158 of the HACD1 protein (p.Ser158Ile). The serine residue is highly conserved and there is a large physicochemical difference between serine and isoleucine. This variant is present in population databases (rs781827306, ExAC 0.003%). This variant has not been reported in the literature in individuals affected with HACD1-related conditions. Algorithms developed to predict the effect of missense changes on protein structure and function (SIFT, PolyPhen-2, Align-GVGD) all suggest that this variant is likely to be tolerated. In summary, the available evidence is currently insufficient to determine the role of this variant in disease. Therefore, it has been classified as a Variant of Uncertain Significance.